The following is an entry in ClinVar:

ClinVar aggregate classification (germline): Conflicting classifications of pathogenicity. Review status: criteria provided, conflicting classifications (1 of 4 stars). 12 submissions from 12 submitters: Uncertain significance (10); Likely benign (2). Last evaluated 2026-06-09.

Conditions:
Familial adenomatous polyposis 3. Also called: NTHL1-Related Adenomatous Polyposis and Colorectal Cancer; NTHL1-related attenuated familial adenomatous polyposis; NTHL1 Tumor Syndrome; NTHL1-associated polyposis. Identifiers: Orphanet 220460, Orphanet 454840, MedGen C4225157, MONDO:0014630, OMIM 616415.
Hereditary cancer-predisposing syndrome. Also called: Neoplastic Syndromes, Hereditary; Hereditary Cancer Syndrome; Tumor predisposition; Hereditary neoplastic syndrome. Identifiers: Orphanet 140162, MedGen C0027672, MeSH D009386, MONDO:0015356.
NTHL1-related disorder. Also called: NTHL1-related condition; NTHL1-related conditions.

Allele frequency attached by ClinVar (database versions not stated): gnomAD exomes 0.00005 and 0.00017; TOPMed 0.00006; gnomAD 0.00007; ExAC 0.00008.
gnomAD v4.1: 271 of 1,590,060 alleles (0.017%); highest among the groups gnomAD compares: Non-Finnish European, 0.02%; no homozygotes.

Submissions (12):

PreventionGenetics, part of Exact Sciences
Classification: Uncertain significance for NTHL1-related condition. Last evaluated: 2026-06-09. Review status: criteria provided, single submitter. Criteria: ACMG Guidelines, 2015. Collection method: clinical testing. Allele origin: germline.
Comment: The NTHL1 c.61C>T variant is predicted to result in the amino acid substitution p.Arg21Trp. This variant has been reported in breast cancer cases and controls in a case-control study of NTHL1 with breast cancer predisposition (Table S2, Li et al. 2021. PubMed ID: 33980861). It was reported to have no disease-association based on predicted excision repair capacity (reported as R21W in Table 3,  Wilson et al. 2011. PubMed ID: 21167187) and the tryptophan residue is observed in other mammalian species, suggesting this missense change does not impact protein function. This variant is reported in 0.013% of alleles in individuals of European (Non-Finnish) descent in gnomAD, and has conflicting interpretations in ClinVar ranging from likely benign to uncertain (Variation ID: 648187). Although we suspect that this variant may be benign, at this time, the clinical significance of this variant is uncertain due to the absence of conclusive functional and genetic evidence.

Labcorp Genetics (formerly Invitae), Labcorp
Classification: Uncertain significance. Last evaluated: 2026-01-28. Review status: criteria provided, single submitter. Criteria: Invitae Variant Classification Sherloc (09022015). Collection method: clinical testing. Allele origin: germline.
Comment: This sequence change replaces arginine, which is basic and polar, with tryptophan, which is neutral and slightly polar, at codon 21 of the NTHL1 protein (p.Arg21Trp). This variant is present in population databases (rs3087469, gnomAD 0.01%). This variant has not been reported in the literature in individuals affected with NTHL1-related conditions. ClinVar contains an entry for this variant (Variation ID: 648187). An algorithm developed to predict the effect of missense changes on protein structure and function outputs the following: PolyPhen-2: "Benign". The tryptophan amino acid residue is found in multiple mammalian species, which suggests that this missense change does not adversely affect protein function. In summary, the available evidence is currently insufficient to determine the role of this variant in disease. Therefore, it has been classified as a Variant of Uncertain Significance.

Quest Diagnostics Nichols Institute San Juan Capistrano
Classification: Uncertain significance. Last evaluated: 2025-04-30. Review status: criteria provided, single submitter. Criteria: Quest Diagnostics criteria. Collection method: clinical testing. Allele origin: unknown.
Comment: The NTHL1 c.61C>T (p.Arg21Trp) variant has been reported in the published literature in individuals with breast cancer (PMID: 33980861 (2021)), as well as in reportedly unaffected individuals (PMID: 16741161 (2005), 33980861 (2021)). The frequency of this variant in the general population (Genome Aggregation Database) is uninformative in the assessment of its pathogenicity. Analysis of this variant using bioinformatics tools for the prediction of the effect of amino acid changes on protein structure and function yielded predictions that this variant is benign. Based on the available information, we are unable to determine the clinical significance of this variant.

Molecular Pathology, Peter Maccallum Cancer Centre
Classification: Uncertain significance for Familial adenomatous polyposis 3. Last evaluated: 2024-09-30. Review status: criteria provided, single submitter. Criteria: ACMG Guidelines, 2015. Collection method: clinical testing. Allele origin: germline. Inheritance: Autosomal recessive inheritance.

Blueprint Genetics
Classification: Uncertain significance. Last evaluated: 2024-07-30. Review status: criteria provided, single submitter. Criteria: ACMG Guidelines, 2015. Collection method: clinical testing. Allele origin: germline.

Baylor Genetics
Classification: Uncertain significance for Familial adenomatous polyposis 3. Last evaluated: 2024-03-24. Review status: criteria provided, single submitter. Criteria: ACMG Guidelines, 2015. Collection method: clinical testing. Allele origin: unknown.

Fulgent Genetics
Classification: Uncertain significance for Familial adenomatous polyposis 3. Last evaluated: 2024-03-18. Review status: criteria provided, single submitter. Criteria: ACMG Guidelines, 2015. Collection method: clinical testing. Allele origin: germline.

GeneDx
Classification: Uncertain significance. Last evaluated: 2024-03-08. Review status: criteria provided, single submitter. Criteria: GeneDx Variant Classification Process June 2021. Collection method: clinical testing. Allele origin: germline. Affected: yes.
Comment: Not observed at significant frequency in large population cohorts (gnomAD); In silico analysis supports that this missense variant has a deleterious effect on protein structure/function; Identified in individuals with breast cancer, but also in cancer-free controls (PMID: 33980861); This variant is associated with the following publications: (PMID: 21167187, 15026370, 25452114, 33980861)

Ambry Genetics
Classification: Likely benign for Hereditary cancer-predisposing syndrome. Last evaluated: 2023-12-06. Review status: criteria provided, single submitter. Criteria: Ambry Variant Classification Scheme 2023. Collection method: clinical testing. Allele origin: germline.

CeGaT Center for Human Genetics Tuebingen
Classification: Likely benign. Last evaluated: 2023-10-01. Review status: criteria provided, single submitter. Criteria: CeGaT Center For Human Genetics Tuebingen Variant Classification Criteria Version 2. Collection method: clinical testing. Allele origin: germline. Affected: yes. Observed: 1 variant allele.
Comment: NTHL1: BP1

Sema4
Classification: Uncertain significance for Hereditary cancer-predisposing syndrome. Last evaluated: 2021-08-11. Review status: criteria provided, single submitter. Criteria: Sema4 Curation Guidelines. Collection method: curation. Allele origin: germline.
Comment: To the best of our knowledge, the NTHL1 c.61C>T (p.R21W) variant has not been reported in the literature in individuals with NTHL1-related disease. It was observed in 14/106044 chromosomes of the Non-Finnish European subpopulation, with no homozygotes, in the large and broad cohorts of the Genome Aggregation Database (PMID: 32461654). The variant has been reported in ClinVar (Variation ID 648187). Functional studies have not been performed, and in silico predictions of the variant's effect on protein function are inconclusive. The evidence is insufficient to meet ACMG/AMP criteria for classifying the variant as benign or pathogenic. Thus, the clinical significance of this variant is currently uncertain.

Department of Pathology and Laboratory Medicine, Sinai Health System
Classification: Uncertain significance for Familial adenomatous polyposis 3. Last evaluated: 2020-07-30. Review status: criteria provided, single submitter. Criteria: ACMG Guidelines, 2015. Collection method: research. Allele origin: germline.

Literature cited by the submitters: PubMed 16741161 (cited by Quest Diagnostics Nichols Institute San Juan Capistrano); PubMed 33980861 (cited by Quest Diagnostics Nichols Institute San Juan Capistrano); PubMed 21167187 (cited by Ambry Genetics).

NM_002528.7(NTHL1):c.37C>T (p.Arg13Trp)

Gene: NTHL1 (nth like DNA glycosylase 1; minus strand). Cytogenetic location: 16p13.3.
Variant type: single nucleotide variant.
Coding change: c.37C>T on transcript NM_002528.7 (MANE Select); coding-DNA position 37, C replaced by T.
Protein change: p.Arg13Trp; replaces arginine 13 with tryptophan.
Molecular consequence: missense variant. On other transcripts: 5 prime UTR variant (1).
Genome position (GRCh38, 1-based): chr16:2,047,787, G>A on the plus strand (C>T on the coding strand, the complement: NTHL1 is on the minus strand). VCF-style: chr16-2047787-G-A. GRCh37 (hg19) VCF-style: chr16-2097788-G-A.
Other names: c.37C>T, p.Arg13Trp (LRG_1366t1, NM_001318193.2); c.-142C>T (NM_001318194.2); short protein forms R13W.
Identifiers: ClinVar variation 648187 (VCV000648187.50), dbSNP rs3087469, ClinGen allele CA027813.